The following is an entry in ClinVar:

ClinVar aggregate classification (germline): Uncertain significance. Review status: criteria provided, single submitter (1 of 4 stars). 2 submissions from 2 submitters: Uncertain significance (1). 1 of the submissions does not count toward it. Last evaluated 2024-02-24.

Conditions:
Polycystic kidney disease. Also called: Polycystic kidney dysplasia; Kidney, Polycystic. Identifiers: MedGen C0022680, MeSH D007690, MONDO:0020642, HP:0000113.
Polycystic kidney disease, adult type (PKD1). Also called: POLYCYSTIC KIDNEY DISEASE, ADULT, TYPE I; Polycystic Kidney Disease 1, Autosomal Dominant; Polycystic kidney disease 1; Polycystic kidney disease 1, severe; Polycystic Kidney, Autosomal Dominant; POLYCYSTIC KIDNEY DISEASE 1 WITH OR WITHOUT POLYCYSTIC LIVER DISEASE. Identifiers: MedGen C3149841, MONDO:0008263, OMIM 173900.

Submissions (2):

Fulgent Genetics
Classification: Uncertain significance for Polycystic kidney disease, adult type. Last evaluated: 2024-02-24. Review status: criteria provided, single submitter. Criteria: ACMG Guidelines, 2015. Collection method: clinical testing. Allele origin: germline.

Department of Pathology and Laboratory Medicine, Sinai Health System
Classification: Uncertain significance for Polycystic Kidney disease. Review status: no assertion criteria provided. Collection method: clinical testing. Allele origin: unknown. Affected: yes. Study: The Canadian Open Genetics Repository (COGR). Not counted in ClinVar's aggregate classification.
Comment: The PKD1 p.Arg606Pro variant was not identified in the literature nor was it identified in the ClinVar, LOVD 3.0, ADPKD Mutation Database, or PKD1-LOVD, databases. The variant was also identified by our laboratory in 4 individuals with ADPKD from the same family which includes this patient, all are affected with ADPKD. However the variant was identified in this family on the same allele as another variant of uncertain clinical significance. The variant was not identified in the following control databases: the Exome Aggregation Consortium (August 8th 2016), or the Genome Aggregation Database (Feb 27, 2017). The p.Arg606 residue is conserved across mammals and other organisms, and computational analyses (PolyPhen-2, SIFT, AlignGVGD, BLOSUM, MutationTaster) suggest that the variant may impact the protein; however this information is not predictive enough to assume pathogenicity. The variant occurs outside of the splicing consensus sequence and 1 of 4 in silico or computational prediction software programs (SpliceSiteFinder, MaxEntScan, NNSPLICE, GeneSplicer) predict a greater than 10% difference in splicing; this is not very predictive of pathogenicity. In summary, based on the above information the clinical significance of this variant cannot be determined with certainty at this time. This variant is classified as a variant of uncertain significance.

NM_001009944.3(PKD1):c.1817G>C (p.Arg606Pro)

Gene: PKD1 (polycystin 1, transient receptor potential channel interacting; minus strand). Cytogenetic location: 16p13.3.
Variant type: single nucleotide variant.
Coding change: c.1817G>C on transcript NM_001009944.3 (MANE Select); coding-DNA position 1817, G replaced by C.
Protein change: p.Arg606Pro; replaces arginine 606 with proline.
Molecular consequence: missense variant.
Genome position (GRCh38, 1-based): chr16:2,116,024, C>G on the plus strand (G>C on the coding strand, the complement: PKD1 is on the minus strand). VCF-style: chr16-2116024-C-G. GRCh37 (hg19) VCF-style: chr16-2166025-C-G.
Other names: c.1817G>C, p.Arg606Pro (NM_000296.4); short protein forms R606P.
Identifiers: ClinVar variation 997335 (VCV000997335.2), dbSNP rs2092629034, ClinGen allele CA394391063.